The following is an entry in ClinVar:

ClinVar aggregate classification (germline): Pathogenic (1 of 4 stars; one submission).

Conditions:
Charcot-Marie-Tooth disease type 2. Also called: Charcot-Marie-Tooth type 2. Identifiers: Orphanet 64746, MedGen C0270914, MONDO:0018993.

Submission:

Labcorp Genetics (formerly Invitae), Labcorp
Classification: Pathogenic for Charcot-Marie-Tooth disease type 2. Last evaluated: 2018-08-01. Review status: criteria provided, single submitter. Criteria: Invitae Variant Classification Sherloc (09022015). Collection method: clinical testing. Allele origin: germline.
Comment: This sequence change creates a premature translational stop signal (p.His506Thrfs*42) in the LMNA gene. It is expected to result in an absent or disrupted protein product. This variant is not present in population databases (ExAC no frequency). This variant has not been reported in the literature in individuals with LMNA-related disease. Loss-of-function variants in LMNA are known to be pathogenic (PMID: 18585512, 18926329). For these reasons, this variant has been classified as Pathogenic.

Literature cited by the submitters: PubMed 18585512; PubMed 18926329.

NM_170707.4(LMNA):c.1516del (p.His506fs)

Gene: LMNA (lamin A/C; plus strand). Cytogenetic location: 1q22.
Variant type: Deletion.
Coding change: c.1516del on transcript NM_170707.4 (MANE Select); coding-DNA position 1516, one base deleted (C; older notation c.1516delC).
Protein change: p.His506fs; shifts the reading frame from histidine 506.
Molecular consequence: frameshift variant.
Genome position (GRCh38, 1-based): chr1:156,137,140, C deleted; the last of 3 consecutive C bases (chr1:156,137,138-156,137,140); deleting any one gives the same sequence. VCF-style (leftmost placement, unchanged base first): chr1-156137137-AC-A. GRCh37 (hg19) VCF-style: chr1-156106928-AC-A.
Other names: c.1180del, p.His394fs (NM_001257374.3); c.1273del, p.His425fs (NM_001282624.2); c.1516del, p.His506fs (NM_001282625.2, NM_001282626.2, NM_005572.4 and 1 more transcripts); short protein forms H394fs, H425fs, H506fs.
Identifiers: ClinVar variation 582185 (VCV000582185.7), dbSNP rs1558133157, ClinGen allele CA891842719.